The following is an entry in ClinVar:

NM_001042492.3(NF1):c.6143G>A (p.Ser2048Asn)

Gene: NF1 (neurofibromin 1; plus strand). Cytogenetic location: 17q11.2.
Variant type: single nucleotide variant.
Coding change: c.6143G>A on transcript NM_001042492.3 (MANE Select); coding-DNA position 6143, G replaced by A.
Protein change: p.Ser2048Asn; replaces serine 2048 with asparagine.
Molecular consequence: missense variant.
Genome position (GRCh38, 1-based): chr17:31,336,469, G>A. VCF-style: chr17-31336469-G-A. GRCh37 (hg19) VCF-style: chr17-29663487-G-A.
Other names: c.6080G>A, p.Ser2027Asn (NM_000267.4); short protein forms S2048N, S2027N.
Identifiers: ClinVar variation 1382274 (VCV001382274.8), dbSNP rs2151553604, ClinGen allele CA399011567.

ClinVar aggregate classification (germline): Uncertain significance (1 of 4 stars; one submission).

Conditions:
Neurofibromatosis, type 1 (NF1). Also called: VON RECKLINGHAUSEN DISEASE; Peripheral type neurofibromatosis; Neurofibromatosis, type I; NEUROFIBROMATOSIS, TYPE I, SOMATIC. Identifiers: Orphanet 636, MedGen C0027831, MONDO:0018975, OMIM 162200. Disease mechanism: loss of function.

Submission:

Labcorp Genetics (formerly Invitae), Labcorp
Classification: Uncertain significance for Neurofibromatosis, type 1. Last evaluated: 2021-07-19. Review status: criteria provided, single submitter. Criteria: Invitae Variant Classification Sherloc (09022015). Collection method: clinical testing. Allele origin: germline.
Comment: In summary, the available evidence is currently insufficient to determine the role of this variant in disease. Therefore, it has been classified as a Variant of Uncertain Significance. Advanced modeling of protein sequence and biophysical properties (such as structural, functional, and spatial information, amino acid conservation, physicochemical variation, residue mobility, and thermodynamic stability) performed at Invitae indicates that this missense variant is not expected to disrupt NF1 protein function. This variant has not been reported in the literature in individuals affected with NF1-related conditions. This variant is not present in population databases (ExAC no frequency). This sequence change replaces serine with asparagine at codon 2027 of the NF1 protein (p.Ser2027Asn). The serine residue is moderately conserved and there is a small physicochemical difference between serine and asparagine.